The following is an entry in ClinVar:

NC_000011.9:g.(?_57235082)_(57467503_?)del

Genes: CLP1 (cleavage factor polyribonucleotide kinase subunit 1; plus strand), MIR130A (microRNA 130a; plus strand), RTN4RL2 (reticulon 4 receptor like 2; plus strand), SERPING1 (serpin family G member 1; plus strand), SLC43A1 (solute carrier family 43 member 1; minus strand) and 5 more. Cytogenetic location: 11q12.1.
Variant type: Deletion.
Identifiers: ClinVar variation 1076333 (VCV001076333.7).

ClinVar aggregate classification (germline): Pathogenic (1 of 4 stars; one submission).

Submission:

Labcorp Genetics (formerly Invitae), Labcorp
Classification: Pathogenic. Last evaluated: 2018-05-13. Review status: criteria provided, single submitter. Criteria: Invitae Variant Classification Sherloc (09022015). Collection method: clinical testing. Allele origin: germline.
Comment: A gross deletion of the genomic region encompassing the full coding sequence of the SERPING1 gene has been identified. The boundaries of this event are unknown as the deletion extends beyond the assayed region for this gene and therefore may encompass additional genes. A similar deletion has been reported in the literature in an individual affected with hereditary angioedema (PMID: 11139243). Loss-of-function variants in SERPING1 are known to be pathogenic (PMID: 11112899, 24456027). For these reasons, this variant has been classified as Pathogenic.

Literature cited by the submitters: PubMed 11139243; PubMed 11112899; PubMed 24456027.